The following is an entry in ClinVar:

ClinVar aggregate classification (germline): Uncertain significance (1 of 4 stars; one submission).

Conditions:
Zellweger spectrum disorders (ZS). Also called: Zellweger Spectrum Disorder; Zellweger Spectrum; Zellweger Spectrum Disorder (ZSD); Zellweger syndrome. Identifiers: Orphanet 912, MedGen C0043459, MONDO:0019609.

Submission:

Labcorp Genetics (formerly Invitae), Labcorp
Classification: Uncertain significance for Zellweger spectrum disorders. Last evaluated: 2024-02-24. Review status: criteria provided, single submitter. Criteria: Invitae Variant Classification Sherloc (09022015). Collection method: clinical testing. Allele origin: germline.
Comment: This sequence change replaces isoleucine, which is neutral and non-polar, with threonine, which is neutral and polar, at codon 235 of the PEX1 protein (p.Ile235Thr). This variant is not present in population databases (gnomAD no frequency). This variant has not been reported in the literature in individuals affected with PEX1-related conditions. ClinVar contains an entry for this variant (Variation ID: 2121951). Advanced modeling of protein sequence and biophysical properties (such as structural, functional, and spatial information, amino acid conservation, physicochemical variation, residue mobility, and thermodynamic stability) performed at Invitae indicates that this missense variant is not expected to disrupt PEX1 protein function with a negative predictive value of 80%. In summary, the available evidence is currently insufficient to determine the role of this variant in disease. Therefore, it has been classified as a Variant of Uncertain Significance.

NM_000466.3(PEX1):c.704T>C (p.Ile235Thr)

Gene: PEX1 (peroxisomal biogenesis factor 1; minus strand). Cytogenetic location: 7q21.2.
Variant type: single nucleotide variant.
Coding change: c.704T>C on transcript NM_000466.3 (MANE Select); coding-DNA position 704, T replaced by C.
Protein change: p.Ile235Thr; replaces isoleucine 235 with threonine.
Molecular consequence: missense variant.
Genome position (GRCh38, 1-based): chr7:92,517,811, A>G on the plus strand (T>C on the coding strand, the complement: PEX1 is on the minus strand). VCF-style: chr7-92517811-A-G. GRCh37 (hg19) VCF-style: chr7-92147125-A-G.
Other names: c.704T>C, p.Ile235Thr (NM_001282677.2); c.80T>C, p.Ile27Thr (NM_001282678.2); short protein forms I235T, I27T.
Identifiers: ClinVar variation 2121951 (VCV002121951.4), dbSNP rs2484703622, ClinGen allele CA368200380.